The following is an entry in ClinVar:

NM_000836.4(GRIN2D):c.3623C>T (p.Ala1208Val)

Gene: GRIN2D (glutamate ionotropic receptor NMDA type subunit 2D; plus strand). Cytogenetic location: 19q13.33.
Variant type: single nucleotide variant.
Coding change: c.3623C>T on transcript NM_000836.4 (MANE Select); coding-DNA position 3623, C replaced by T.
Protein change: p.Ala1208Val; replaces alanine 1208 with valine.
Molecular consequence: missense variant.
Genome position (GRCh38, 1-based): chr19:48,443,549, C>T. VCF-style: chr19-48443549-C-T. GRCh37 (hg19) VCF-style: chr19-48946806-C-T.
Other names: c.3623C>T (NM_000836.2); short protein forms A1208V.
Identifiers: ClinVar variation 1421262 (VCV001421262.9), dbSNP rs2147477706, ClinGen allele CA406677195.

ClinVar aggregate classification (germline): Uncertain significance. Review status: criteria provided, multiple submitters, no conflicts (2 of 4 stars). 2 submissions from 2 submitters: Uncertain significance (2). Last evaluated 2025-08-28.

Conditions:
Inborn genetic diseases. Identifiers: MedGen C0950123, MeSH D030342.

gnomAD v4.1: 4 of 1,273,248 alleles (0.00031%); highest among the groups gnomAD compares: Non-Finnish European, 0.0004%; no homozygotes.

Submissions (2):

Ambry Genetics
Classification: Uncertain significance for Inborn genetic diseases. Last evaluated: 2025-08-28. Review status: criteria provided, single submitter. Criteria: Ambry Variant Classification Scheme 2023. Collection method: clinical testing. Allele origin: germline.

Labcorp Genetics (formerly Invitae), Labcorp
Classification: Uncertain significance. Last evaluated: 2024-04-08. Review status: criteria provided, single submitter. Criteria: Invitae Variant Classification Sherloc (09022015). Collection method: clinical testing. Allele origin: germline.
Comment: This sequence change replaces alanine, which is neutral and non-polar, with valine, which is neutral and non-polar, at codon 1208 of the GRIN2D protein (p.Ala1208Val). The frequency data for this variant in the population databases is considered unreliable, as metrics indicate insufficient coverage at this position in the gnomAD database. This variant has not been reported in the literature in individuals affected with GRIN2D-related conditions. ClinVar contains an entry for this variant (Variation ID: 1421262). Advanced modeling of protein sequence and biophysical properties (such as structural, functional, and spatial information, amino acid conservation, physicochemical variation, residue mobility, and thermodynamic stability) performed at Invitae indicates that this missense variant is not expected to disrupt GRIN2D protein function with a negative predictive value of 95%. Algorithms developed to predict the effect of sequence changes on RNA splicing suggest that this variant may create or strengthen a splice site. In summary, the available evidence is currently insufficient to determine the role of this variant in disease. Therefore, it has been classified as a Variant of Uncertain Significance.